The following is an entry in ClinVar:

ClinVar aggregate classification (germline): Likely benign. Review status: criteria provided, multiple submitters, no conflicts (2 of 4 stars). 2 submissions from 2 submitters: Likely benign (2). Last evaluated 2025-10-06.

Conditions:
CHD5-related disorder. Also called: CHD5-related condition.

gnomAD v4.1: 73 of 1,611,764 alleles (0.0045%); highest among the groups gnomAD compares: Admixed American, 0.0067%; no homozygotes.

Submissions (2):

PreventionGenetics, part of Exact Sciences
Classification: Likely benign for CHD5-related condition. Last evaluated: 2025-10-06. Review status: criteria provided, single submitter. Criteria: ACMG Guidelines, 2015. Collection method: clinical testing. Allele origin: germline.
Comment: This variant is classified as likely benign based on ACMG/AMP sequence variant interpretation guidelines (Richards et al. 2015 PMID: 25741868, with internal and published modifications).

CeGaT Center for Human Genetics Tuebingen
Classification: Likely benign. Last evaluated: 2025-01-01. Review status: criteria provided, single submitter. Criteria: CeGaT Center For Human Genetics Tuebingen Variant Classification Criteria Version 2. Collection method: clinical testing. Allele origin: germline. Affected: yes. Observed: 1 variant allele.
Comment: CHD5: BP4, BP7

NM_015557.3(CHD5):c.5259C>T (p.Tyr1753=)

Gene: CHD5 (chromodomain helicase DNA binding protein 5; minus strand). Cytogenetic location: 1p36.31.
Variant type: single nucleotide variant.
Coding change: c.5259C>T on transcript NM_015557.3 (MANE Select); coding-DNA position 5259, C replaced by T.
Protein change: p.Tyr1753=; no amino-acid change (tyrosine 1753 retained).
Molecular consequence: synonymous variant.
Genome position (GRCh38, 1-based): chr1:6,110,517, G>A on the plus strand (C>T on the coding strand, the complement: CHD5 is on the minus strand). VCF-style: chr1-6110517-G-A. GRCh37 (hg19) VCF-style: chr1-6170577-G-A.
Other names: c.5259C>T (NM_015557.2).
Identifiers: ClinVar variation 3771054 (VCV003771054.14).